The following is an entry in ClinVar:

ClinVar aggregate classification (germline): Likely pathogenic (1 of 4 stars; one submission).

Conditions:
Familial thoracic aortic aneurysm and aortic dissection (TAAD). Also called: Thoracic aortic aneurysms and dissections. Identifiers: Orphanet 91387, MedGen C4707243, MONDO:0019625.
Marfan syndrome (MFS). Also called: MARFAN SYNDROME, TYPE I; Marfan syndrome type 1; Marfan's syndrome; Marfan syndrome, classic; FBN1-Related Marfan Syndrome. Identifiers: Orphanet 284963, Orphanet 558, MedGen C0024796, MONDO:0007947, OMIM 154700.

Submission:

Labcorp Genetics (formerly Invitae), Labcorp
Classification: Likely pathogenic for Marfan syndrome; Familial thoracic aortic aneurysm and aortic dissection. Last evaluated: 2022-11-07. Review status: criteria provided, single submitter. Criteria: Invitae Variant Classification Sherloc (09022015). Collection method: clinical testing. Allele origin: germline.
Comment: In summary, the currently available evidence indicates that the variant is pathogenic, but additional data are needed to prove that conclusively. Therefore, this variant has been classified as Likely Pathogenic. Advanced modeling of protein sequence and biophysical properties (such as structural, functional, and spatial information, amino acid conservation, physicochemical variation, residue mobility, and thermodynamic stability) performed at Invitae indicates that this missense variant is expected to disrupt FBN1 protein function. This missense change has been observed in individual(s) with clinical features of FBN1-related conditions (Invitae). This variant is not present in population databases (gnomAD no frequency). This sequence change replaces asparagine, which is neutral and polar, with threonine, which is neutral and polar, at codon 1298 of the FBN1 protein (p.Asn1298Thr).

NM_000138.5(FBN1):c.3893A>C (p.Asn1298Thr)

Gene: FBN1 (fibrillin 1; minus strand). Cytogenetic location: 15q21.1.
Variant type: single nucleotide variant.
Coding change: c.3893A>C on transcript NM_000138.5 (MANE Select); coding-DNA position 3893, A replaced by C.
Protein change: p.Asn1298Thr; replaces asparagine 1298 with threonine.
Molecular consequence: missense variant.
Genome position (GRCh38, 1-based): chr15:48,481,726, T>G on the plus strand (A>C on the coding strand, the complement: FBN1 is on the minus strand). VCF-style: chr15-48481726-T-G. GRCh37 (hg19) VCF-style: chr15-48773923-T-G.
Other names: c.3893A>C, p.Asn1298Thr (NM_001406716.1); short protein forms N1298T.
Identifiers: ClinVar variation 2005623 (VCV002005623.4), dbSNP rs2505533586, ClinGen allele CA392322415.
Genomic context (GRCh38, chr15:48,481,726, plus strand): 5'-GTTTTTCCTTTTTTGCCGGAGTAGCCCATATCACAGTGGCAGATAAATGAGCCTTTCGTG[T>G]TTTCACAGGTCCCACTTAGGCAGATATTTGGATTCAGGTCACACTCATTGACATCTGTAA-3'
Protein context (NP_000129.3, residues 1288-1308): PNICLSGTCE[Asn1298Thr]TKGSFICHCD